The following is an entry in ClinVar:

Conditions:
Breast-ovarian cancer, familial, susceptibility to, 1 (BROVCA1). Also called: BRCA1 Hereditary Breast and Ovarian Cancer; OVARIAN CANCER, SUSCEPTIBILITY TO. Identifiers: Orphanet 145, MedGen C2676676, MONDO:0011450, OMIM 604370. Disease mechanism: loss of function.

Allele frequency attached by ClinVar (database versions not stated): gnomAD exomes below 0.00001; ExAC 0.00001.
gnomAD v4.1: 4 of 1,592,818 alleles (0.00025%); highest among the groups gnomAD compares: South Asian, 0.0044%; no homozygotes.

Submission:

Brotman Baty Institute, University of Washington
No classification provided (evidence only). Condition: Breast-ovarian cancer, familial 1. Review status: no classification provided. Collection method: in vitro. Allele origin: not applicable. Functional consequence: functionally_normal.
ClinVar note: "not provided" was previously submitted as the classification for the variant. However, the classification appeared to be based only on an observation of functional data so it was converted to no classification on 2025-07-30.

NM_007294.4(BRCA1):c.5074+10G>A

Gene: BRCA1 (BRCA1 DNA repair associated; minus strand). Cytogenetic location: 17q21.31.
Variant type: single nucleotide variant.
Coding change: c.5074+10G>A on transcript NM_007294.4 (MANE Select); 10 bases into the intron after coding-DNA position 5074, G replaced by A.
Molecular consequence: intron variant.
Genome position (GRCh38, 1-based): chr17:43,067,598, C>T on the plus strand (G>A on the coding strand, the complement: BRCA1 is on the minus strand). VCF-style: chr17-43067598-C-T. GRCh37 (hg19) VCF-style: chr17-41219615-C-T.
Other names: c.1621+10G>A (NM_001408458.1, NM_001408461.1, NM_001408464.1 and 7 more transcripts); c.4183+10G>A (NM_001407967.1); c.4693+10G>A (NM_001407959.1); c.4807+10G>A (NM_001407931.1, NM_001407932.1, NM_001407928.1 and 4 more transcripts); c.4930+10G>A (NM_001407747.1, NM_001407745.1, NM_001407737.1 and 21 more transcripts); c.4690+10G>A (NM_001407962.1, NM_001407960.1); c.1261+10G>A (NM_001408512.1); c.1384+10G>A (NM_001408510.1); and 71 more.
Identifiers: ClinVar variation 868997 (VCV000868997.3), dbSNP rs780970459, ClinGen allele CA053774.